The following is an entry in ClinVar:

NM_015599.3(PGM3):c.1006C>T (p.Arg336Trp)

Gene: PGM3 (phosphoglucomutase 3; minus strand). Cytogenetic location: 6q14.1.
Variant type: single nucleotide variant.
Coding change: c.1006C>T on transcript NM_015599.3 (MANE Select); coding-DNA position 1006, C replaced by T.
Protein change: p.Arg336Trp; replaces arginine 336 with tryptophan.
Molecular consequence: missense variant. On other transcripts: non-coding transcript variant (1).
Genome position (GRCh38, 1-based): chr6:83,178,696, G>A on the plus strand (C>T on the coding strand, the complement: PGM3 is on the minus strand). VCF-style: chr6-83178696-G-A. GRCh37 (hg19) VCF-style: chr6-83888415-G-A.
Other names: c.1090C>T, p.Arg364Trp (NM_001199917.2, NM_001367287.1); c.763C>T, p.Arg255Trp (NM_001199918.2); c.1006C>T, p.Arg336Trp (NM_001199919.2, NM_001367286.1); short protein forms R255W, R336W, R364W.
Identifiers: ClinVar variation 2194932 (VCV002194932.1), dbSNP rs748755438, ClinGen allele CA3906635.

ClinVar aggregate classification (germline): Uncertain significance (1 of 4 stars; one submission).

Conditions:
Immunodeficiency 23 (IMD23). Also called: IMMUNODEFICIENCY WITH HYPER IgE AND COGNITIVE IMPAIRMENT; IMMUNODEFICIENCY-VASCULITIS-MYOCLONUS SYNDROME. Identifiers: Orphanet 443811, MedGen C4014371, MONDO:0014353, OMIM 615816.

Allele frequency attached by ClinVar (database versions not stated): gnomAD 0.00001; gnomAD exomes 0.00002; TOPMed 0.00002; ExAC 0.00003.

Submission:

Labcorp Genetics (formerly Invitae), Labcorp
Classification: Uncertain significance for Immunodeficiency 23. Last evaluated: 2022-05-05. Review status: criteria provided, single submitter. Criteria: Invitae Variant Classification Sherloc (09022015). Collection method: clinical testing. Allele origin: germline.
Comment: This sequence change replaces arginine, which is basic and polar, with tryptophan, which is neutral and slightly polar, at codon 364 of the PGM3 protein (p.Arg364Trp). This variant is present in population databases (rs748755438, gnomAD 0.01%). This variant has not been reported in the literature in individuals affected with PGM3-related conditions. Algorithms developed to predict the effect of missense changes on protein structure and function are either unavailable or do not agree on the potential impact of this missense change (SIFT: "Deleterious"; PolyPhen-2: "Possibly Damaging"; Align-GVGD: "Class C0"). In summary, the available evidence is currently insufficient to determine the role of this variant in disease. Therefore, it has been classified as a Variant of Uncertain Significance.